The following is an entry in ClinVar:

NM_001377.3(DYNC2H1):c.9919-1G>A

Gene: DYNC2H1 (dynein cytoplasmic 2 heavy chain 1; plus strand). Cytogenetic location: 11q22.3.
Variant type: single nucleotide variant.
Coding change: c.9919-1G>A on transcript NM_001377.3 (MANE Select); the canonical splice acceptor site of the intron before coding-DNA position 9919, G replaced by A.
Molecular consequence: splice acceptor variant.
Genome position (GRCh38, 1-based): chr11:103,245,250, G>A. VCF-style: chr11-103245250-G-A. GRCh37 (hg19) VCF-style: chr11-103115979-G-A.
Other names: c.9940-1G>A (NM_001080463.2).
Identifiers: ClinVar variation 5003919 (VCV005003919.1).

ClinVar aggregate classification (germline): Likely pathogenic (1 of 4 stars; one submission).

Conditions:
Asphyxiating thoracic dystrophy 3. Also called: SHORT-RIB THORACIC DYSPLASIA 3 WITH OR WITHOUT POLYDACTYLY; POLYDACTYLY WITH NEONATAL CHONDRODYSTROPHY, TYPE I; SHORT-RIB THORACIC DYSPLASIA 3/6 WITH POLYDACTYLY, DIGENIC; Short rib polydactyly syndrome 2B; Saldino-Noonan Syndrome. Identifiers: Orphanet 474, Orphanet 93269, Orphanet 93270, Orphanet 93271, MedGen C0036069, MONDO:0013127, OMIM 613091.

gnomAD v4.1: 3 of 1,528,108 alleles (0.0002%); highest among the groups gnomAD compares: Non-Finnish European, 0.00018%; no homozygotes.

Submission:

Myriad Genetics, Inc.
Classification: Likely pathogenic for Asphyxiating thoracic dystrophy 3. Last evaluated: 2025-08-11. Review status: criteria provided, single submitter. Criteria: Myriad Autosomal Dominant, Autosomal Recessive and X-Linked Classification Criteria (2023). Collection method: clinical testing. Allele origin: unknown.
Comment: NM_001377.2(DYNC2H1):c.9919-1G>A is a variant in a canonical splice site classified as likely pathogenic in the context of DYNC2H1-related disorders. c.9919-1G>A has not been observed in cases with relevant disease. Relevant functional assessments of this variant are not available in the literature. c.9919-1G>A has not been observed in referenced population frequency databases. In summary, NM_001377.2(DYNC2H1):c.9919-1G>A is a variant in a canonical splice site in a gene where loss of function is a known mechanism of disease and is predicted to disrupt protein function. Please note: this variant was assessed in the context of healthy population screening.